The following is an entry in ClinVar:

ClinVar aggregate classification (germline): Uncertain significance. Review status: criteria provided, multiple submitters, no conflicts (2 of 4 stars). 3 submissions from 3 submitters: Uncertain significance (3). Last evaluated 2026-03-18.

Conditions:
EGFR-related lung cancer (EGFR). Identifiers: MedGen CN130014.
Hereditary cancer-predisposing syndrome. Also called: Hereditary Cancer Syndrome; Neoplastic Syndromes, Hereditary; Tumor predisposition; Hereditary neoplastic syndrome. Identifiers: Orphanet 140162, MedGen C0027672, MeSH D009386, MONDO:0015356.

Allele frequency attached by ClinVar (database versions not stated): gnomAD exomes below 0.00001.
gnomAD v4.1: 1 of 1,614,154 alleles (0.000062%); highest among the groups gnomAD compares: Non-Finnish European, 0.000085%; no homozygotes.

Submissions (3):

Ambry Genetics
Classification: Uncertain significance for Hereditary cancer-predisposing syndrome. Last evaluated: 2026-03-18. Review status: criteria provided, single submitter. Criteria: Ambry Variant Classification Scheme 2023. Collection method: clinical testing. Allele origin: germline.
Comment: The p.S645P variant (also known as c.1933T>C), located in coding exon 17 of the EGFR gene, results from a T to C substitution at nucleotide position 1933. The serine at codon 645 is replaced by proline, an amino acid with similar properties. This amino acid position is well conserved in available vertebrate species. In addition, this alteration is predicted to be deleterious by in silico analysis. Based on the available evidence, the clinical significance of this variant remains unclear.

Labcorp Genetics (formerly Invitae), Labcorp
Classification: Uncertain significance for EGFR-related lung cancer. Last evaluated: 2025-02-10. Review status: criteria provided, single submitter. Criteria: Invitae Variant Classification Sherloc (09022015). Collection method: clinical testing. Allele origin: germline.
Comment: This sequence change replaces serine, which is neutral and polar, with proline, which is neutral and non-polar, at codon 645 of the EGFR protein (p.Ser645Pro). This variant is not present in population databases (gnomAD no frequency). This variant has not been reported in the literature in individuals affected with EGFR-related conditions. ClinVar contains an entry for this variant (Variation ID: 940584). Invitae Evidence Modeling of protein sequence and biophysical properties (such as structural, functional, and spatial information, amino acid conservation, physicochemical variation, residue mobility, and thermodynamic stability) indicates that this missense variant is not expected to disrupt EGFR protein function with a negative predictive value of 80%. In summary, the available evidence is currently insufficient to determine the role of this variant in disease. Therefore, it has been classified as a Variant of Uncertain Significance.

Genetic Services Laboratory, University of Chicago
Classification: Uncertain significance. Last evaluated: 2021-07-26. Review status: criteria provided, single submitter. Criteria: ACMG Guidelines, 2015. Collection method: clinical testing. Allele origin: germline. Affected: no.

NM_005228.5(EGFR):c.1933T>C (p.Ser645Pro)

Gene: EGFR (epidermal growth factor receptor; plus strand). Cytogenetic location: 7p11.2.
Variant type: single nucleotide variant.
Coding change: c.1933T>C on transcript NM_005228.5 (MANE Select); coding-DNA position 1933, T replaced by C.
Protein change: p.Ser645Pro; replaces serine 645 with proline.
Molecular consequence: missense variant.
Genome position (GRCh38, 1-based): chr7:55,172,996, T>C. VCF-style: chr7-55172996-T-C. GRCh37 (hg19) VCF-style: chr7-55240689-T-C.
Other names: c.1798T>C, p.Ser600Pro (NM_001346897.2, NM_001346899.2); c.1933T>C, p.Ser645Pro (NM_001346898.2); c.1774T>C, p.Ser592Pro (NM_001346900.2); c.1132T>C, p.Ser378Pro (NM_001346941.2); short protein forms S592P, S645P, S600P, S378P.
Identifiers: ClinVar variation 940584 (VCV000940584.14), dbSNP rs1584222146, ClinGen allele CA367582880.